The following is an entry in ClinVar:

NM_001041.4(SI):c.3888G>T (p.Leu1296=)

Gene: SI (sucrase-isomaltase; minus strand). Cytogenetic location: 3q26.1.
Variant type: single nucleotide variant.
Coding change: c.3888G>T on transcript NM_001041.4 (MANE Select); coding-DNA position 3888, G replaced by T.
Protein change: p.Leu1296=; no amino-acid change (leucine 1296 retained).
Molecular consequence: synonymous variant.
Genome position (GRCh38, 1-based): chr3:165,015,952, C>A on the plus strand (G>T on the coding strand, the complement: SI is on the minus strand). VCF-style: chr3-165015952-C-A. GRCh37 (hg19) VCF-style: chr3-164733740-C-A.
Identifiers: ClinVar variation 1932588 (VCV001932588.5), dbSNP rs1043182708, ClinGen allele CA86509469.

ClinVar aggregate classification (germline): Uncertain significance (1 of 4 stars; one submission).

Allele frequency attached by ClinVar (database versions not stated): gnomAD exomes below 0.00001.

Submission:

Labcorp Genetics (formerly Invitae), Labcorp
Classification: Uncertain significance. Last evaluated: 2022-06-23. Review status: criteria provided, single submitter. Criteria: Invitae Variant Classification Sherloc (09022015). Collection method: clinical testing. Allele origin: germline.
Comment: In summary, the available evidence is currently insufficient to determine the role of this variant in disease. Therefore, it has been classified as a Variant of Uncertain Significance. Variants that disrupt the consensus splice site are a relatively common cause of aberrant splicing (PMID: 17576681, 9536098). Algorithms developed to predict the effect of sequence changes on RNA splicing suggest that this variant may disrupt the consensus splice site. This variant has not been reported in the literature in individuals affected with SI-related conditions. This variant is present in population databases (no rsID available, gnomAD 0.0009%). This sequence change affects codon 1296 of the SI mRNA. It is a 'silent' change, meaning that it does not change the encoded amino acid sequence of the SI protein. This variant also falls at the last nucleotide of exon 32, which is part of the consensus splice site for this exon.

Literature cited by the submitters: PubMed 17576681; PubMed 9536098.